The following is an entry in ClinVar:

ClinVar aggregate classification (germline): Uncertain significance (1 of 4 stars; one submission).

Conditions:
Autosomal recessive limb-girdle muscular dystrophy type 2C (LGMDR5). Also called: MUSCULAR DYSTROPHY, LIMB-GIRDLE, AUTOSOMAL RECESSIVE 5; MUSCULAR DYSTROPHY, DUCHENNE-LIKE. Identifiers: Orphanet 353, MedGen C0410173, MONDO:0009677, OMIM 253700. Disease mechanism: Affects gamma-sarcoglycan and also disrupts the integrity of the entire sarcoglycan complex..

Submission:

Labcorp Genetics (formerly Invitae), Labcorp
Classification: Uncertain significance for Autosomal recessive limb-girdle muscular dystrophy type 2C. Last evaluated: 2022-07-26. Review status: criteria provided, single submitter. Criteria: Invitae Variant Classification Sherloc (09022015). Collection method: clinical testing. Allele origin: germline.
Comment: This variant results in a copy number gain of the genomic region encompassing exon(s) 1-2 of the SGCG gene. This region includes the initiator codon of the gene. This copy number gain extends beyond the assayed region for this gene and therefore may encompass additional genes. As the precise location of this event is unknown, it may be in tandem or it may be located elsewhere in the genome. This variant has not been reported in the literature in individuals affected with SGCG-related conditions. In summary, the available evidence is currently insufficient to determine the role of this variant in disease. Therefore, it has been classified as a Variant of Uncertain Significance.

NC_000013.10:g.(?_23667335)_(23778038_?)dup

Gene: SGCG (sarcoglycan gamma; plus strand). Cytogenetic location: 13q12.12.
Variant type: Duplication.
Identifiers: ClinVar variation 1022285 (VCV001022285.2).